The following is an entry in ClinVar:

NM_004360.5(CDH1):c.794A>T (p.Glu265Val)

Gene: CDH1 (cadherin 1; plus strand). Cytogenetic location: 16q22.1.
Variant type: single nucleotide variant.
Coding change: c.794A>T on transcript NM_004360.5 (MANE Select); coding-DNA position 794, A replaced by T.
Protein change: p.Glu265Val; replaces glutamic acid 265 with valine.
Molecular consequence: missense variant. On other transcripts: 5 prime UTR variant (2).
Genome position (GRCh38, 1-based): chr16:68,810,303, A>T. VCF-style: chr16-68810303-A-T. GRCh37 (hg19) VCF-style: chr16-68844206-A-T.
Other names: p.E265V:GAG>GTG; c.794A>T (LRG_301t1); c.794A>T, p.Glu265Val (NM_001317184.2); c.-822A>T (NM_001317185.2); c.-1026A>T (NM_001317186.2); short protein forms E265V.
Identifiers: ClinVar variation 142802 (VCV000142802.26), dbSNP rs587782728, ClinGen allele CA294505.

ClinVar aggregate classification (germline): Conflicting classifications of pathogenicity. Review status: criteria provided, conflicting classifications (1 of 4 stars). 6 submissions from 6 submitters: Uncertain significance (5); Likely benign (1). Last evaluated 2026-02-02.

Conditions:
Hereditary cancer-predisposing syndrome. Also called: Tumor predisposition; Neoplastic Syndromes, Hereditary; Hereditary neoplastic syndrome; Hereditary Cancer Syndrome. Identifiers: Orphanet 140162, MedGen C0027672, MeSH D009386, MONDO:0015356.
Familial cancer of breast. Also called: BREAST CANCER, FAMILIAL; hereditary breast carcinoma; Hereditary breast cancer. Identifiers: Orphanet 227535, MedGen C0346153, MONDO:0016419, OMIM 114480. Disease mechanism: loss of function.
Hereditary diffuse gastric adenocarcinoma (HDGC). Also called: DIFFUSE GASTRIC AND LOBULAR BREAST CANCER SYNDROME. Identifiers: Orphanet 26106, MedGen C1708349, MONDO:0007648, OMIM 137215.

Allele frequency attached by ClinVar (database versions not stated): gnomAD 0.00001; TOPMed 0.00001; gnomAD exomes 0.00002.
gnomAD v4.1: 24 of 1,613,990 alleles (0.0015%); highest among the groups gnomAD compares: Non-Finnish European, 0.0019%; no homozygotes.

Submissions (6):

Labcorp Genetics (formerly Invitae), Labcorp
Classification: Uncertain significance for Hereditary diffuse gastric adenocarcinoma. Last evaluated: 2026-02-02. Review status: criteria provided, single submitter. Criteria: Invitae Variant Classification Sherloc (09022015). Collection method: clinical testing. Allele origin: germline.
Comment: This sequence change replaces glutamic acid, which is acidic and polar, with valine, which is neutral and non-polar, at codon 265 of the CDH1 protein (p.Glu265Val). This variant is present in population databases (rs587782728, gnomAD 0.004%). This variant has not been reported in the literature in individuals affected with CDH1-related conditions. ClinVar contains an entry for this variant (Variation ID: 142802). An algorithm developed to predict the effect of missense changes on protein structure and function (PolyPhen-2) suggests that this variant is likely to be tolerated. RNA analysis performed to evaluate the impact of this missense change on mRNA splicing indicates it does not significantly alter splicing (internal data). In summary, the available evidence is currently insufficient to determine the role of this variant in disease. Therefore, it has been classified as a Variant of Uncertain Significance.

GeneDx
Classification: Uncertain significance. Last evaluated: 2024-04-30. Review status: criteria provided, single submitter. Criteria: GeneDx Variant Classification Process June 2021. Collection method: clinical testing. Allele origin: germline. Affected: yes.
Comment: Not observed at significant frequency in large population cohorts (gnomAD); In silico analysis supports that this missense variant has a deleterious effect on protein structure/function; Has not been previously published as pathogenic or benign to our knowledge; This variant is associated with the following publications: (PMID: 15235021, 22850631)

Baylor Genetics
Classification: Uncertain significance for Familial cancer of breast. Last evaluated: 2024-01-06. Review status: criteria provided, single submitter. Criteria: ACMG Guidelines, 2015. Collection method: clinical testing. Allele origin: unknown.

Color Diagnostics, LLC DBA Color Health
Classification: Uncertain significance for Hereditary cancer-predisposing syndrome. Last evaluated: 2023-12-05. Review status: criteria provided, single submitter. Criteria: ACMG Guidelines, 2015. Collection method: clinical testing. Allele origin: germline.
Comment: This missense variant replaces glutamic acid with valine at codon 265 of the CDH1 protein. To our knowledge, functional studies have not been reported for this variant. This variant has not been reported in individuals affected with hereditary cancer in the literature. This variant has been identified in 5/251456 chromosomes in the general population by the Genome Aggregation Database (gnomAD). The available evidence is insufficient to determine the role of this variant in disease conclusively. Therefore, this variant is classified as a Variant of Uncertain Significance.

Ambry Genetics
Classification: Likely benign for Hereditary cancer-predisposing syndrome. Last evaluated: 2021-11-15. Review status: criteria provided, single submitter. Criteria: Ambry Variant Classification Scheme 2023. Collection method: clinical testing. Allele origin: germline.

Illumina Laboratory Services, Illumina
Classification: Uncertain significance for Hereditary diffuse gastric adenocarcinoma. Last evaluated: 2018-01-12. Review status: criteria provided, single submitter. Criteria: ICSL Variant Classification Criteria 13 December 2019. Collection method: clinical testing. Allele origin: germline.